The following is an entry in ClinVar:

NM_000179.3(MSH6):c.3556+4_3556+8del

Gene: MSH6 (mutS homolog 6; plus strand). Cytogenetic location: 2p16.3.
Variant type: Deletion.
Coding change: c.3556+4_3556+8del on transcript NM_000179.3 (MANE Select); bases 4 to 8 of the intron after coding-DNA position 3556, 5 bases deleted (AGTTT; older notation c.3556+4_3556+8delAGTTT).
Molecular consequence: intron variant.
Genome position (GRCh38, 1-based): chr2:47,805,031-47,805,035, AGTTT deleted. VCF-style (leftmost placement, unchanged base first): chr2-47805030-GAGTTT-G. GRCh37 (hg19) VCF-style: chr2-48032169-GAGTTT-G.
Other names: c.2650+4_2650+8del (NM_001281493.2, NM_001281494.2); c.3166+4_3166+8del (NM_001281492.2).
Identifiers: ClinVar variation 823923 (VCV000823923.11), dbSNP rs1572739119, ClinGen allele CA915943960.

ClinVar aggregate classification (germline): Pathogenic/Likely pathogenic. Review status: criteria provided, multiple submitters, no conflicts (2 of 4 stars). 3 submissions from 3 submitters: Pathogenic (1); Likely pathogenic (2). Last evaluated 2025-07-09.

Conditions:
Hereditary cancer-predisposing syndrome. Also called: Neoplastic Syndromes, Hereditary; Tumor predisposition; Hereditary neoplastic syndrome; Hereditary Cancer Syndrome. Identifiers: Orphanet 140162, MedGen C0027672, MeSH D009386, MONDO:0015356.
Hereditary nonpolyposis colorectal neoplasms. Identifiers: MedGen C0009405, MeSH D003123.

Submissions (3):

Color Diagnostics, LLC DBA Color Health
Classification: Likely pathogenic for Hereditary cancer-predisposing syndrome. Last evaluated: 2025-07-09. Review status: criteria provided, single submitter. Criteria: ACMG Guidelines, 2015. Collection method: clinical testing. Allele origin: germline.
Comment: This variant causes a deletion of 5 nucleotides at the +4 to +8 positions in the donor region of intron 6 of the MSH6 gene. Splice site prediction tools predict that this variant may have a significant impact on RNA splicing. RNA studies have reported this variant has a detrimental impact on RNA splicing (ClinVar: SCV001182099.5, SCV002145768.4), however the extent of the defect has not been published. This variant has been reported in individuals affected with Lynch syndrome tumors (ClinVar: SCV001182099.5). This variant has not been identified in the general population by the Genome Aggregation Database (gnomAD). Loss of MSH6 function is a known mechanism of disease. Based on the available evidence, this variant is classified as Likely Pathogenic.

Ambry Genetics
Classification: Likely pathogenic for Hereditary cancer-predisposing syndrome. Last evaluated: 2024-11-22. Review status: criteria provided, single submitter. Criteria: Ambry Variant Classification Scheme 2023. Collection method: clinical testing. Allele origin: germline.
Comment: The c.3556+4_3556+8delAGTTT intronic variant, located in intron 6 of the MSH6 gene, results from a deletion of 5 nucleotides within intron 6 of the MSH6 gene. These nucleotide positions are well conserved in available vertebrate species. In silico splice site analysis predicts that this alteration will weaken the native splice donor site. RNA studies have demonstrated that this alteration results in abnormal splicing in the set of samples tested (Ambry internal data). This variant is considered to be rare based on population cohorts in the Genome Aggregation Database (gnomAD). Based on the majority of available evidence to date, this variant is likely to be pathogenic.

Labcorp Genetics (formerly Invitae), Labcorp
Classification: Pathogenic for Hereditary nonpolyposis colorectal neoplasms. Last evaluated: 2024-03-12. Review status: criteria provided, single submitter. Criteria: Invitae Variant Classification Sherloc (09022015). Collection method: clinical testing. Allele origin: germline.
Comment: This sequence change falls in intron 6 of the MSH6 gene. It does not directly change the encoded amino acid sequence of the MSH6 protein. RNA analysis indicates that this variant induces altered splicing and may result in an absent or disrupted protein product. This variant is not present in population databases (gnomAD no frequency). This variant has been observed in individual(s) with clinical features of MSH6-related conditions (Invitae; External communication). It has also been observed to segregate with disease in related individuals. ClinVar contains an entry for this variant (Variation ID: 823923). Variants that disrupt the consensus splice site are a relatively common cause of aberrant splicing (PMID: 17576681, 9536098). Studies have shown that this variant results in skipping of exon 6 and introduces a premature termination codon (Invitae). The resulting mRNA is expected to undergo nonsense-mediated decay. For these reasons, this variant has been classified as Pathogenic.

Literature cited by the submitters: PubMed 17576681 (cited by Labcorp Genetics (formerly Invitae), Labcorp); PubMed 9536098 (cited by Labcorp Genetics (formerly Invitae), Labcorp).